The following is an entry in ClinVar:

ClinVar aggregate classification (germline): Likely benign. Review status: criteria provided, multiple submitters, no conflicts (2 of 4 stars). 3 submissions from 3 submitters: Likely benign (3). Last evaluated 2025-07-02.

Conditions:
PRPH2-related disorder. Also called: PRPH2-related disorders; PRPH2-related condition. Identifiers: MedGen CN239395.

Allele frequency attached by ClinVar (database versions not stated): gnomAD exomes 0.00003 and 0.00006; ExAC 0.00004; gnomAD 0.00014 and 0.00015; TOPMed 0.00018; ESP Exome Variant Server 0.00023.
gnomAD v4.1: 63 of 1,613,748 alleles (0.0039%); highest among the groups gnomAD compares: African/African-American, 0.056%; no homozygotes.

Submissions (3):

Labcorp Genetics (formerly Invitae), Labcorp
Classification: Likely benign for PRPH2-related disorder. Last evaluated: 2025-07-02. Review status: criteria provided, single submitter. Criteria: Invitae Variant Classification Sherloc (09022015). Collection method: clinical testing. Allele origin: germline.

PreventionGenetics, part of Exact Sciences
Classification: Likely benign for PRPH2-related condition. Last evaluated: 2025-01-03. Review status: criteria provided, single submitter. Criteria: ACMG Guidelines, 2015. Collection method: clinical testing. Allele origin: germline.
Comment: This variant is classified as likely benign based on ACMG/AMP sequence variant interpretation guidelines (Richards et al. 2015 PMID: 25741868, with internal and published modifications).

Blueprint Genetics
Classification: Likely benign. Last evaluated: 2020-08-28. Review status: criteria provided, single submitter. Criteria: ACMG Guidelines, 2015. Collection method: clinical testing. Allele origin: germline.

NM_000322.5(PRPH2):c.1002C>T (p.Ala334=)

Gene: PRPH2 (peripherin 2; minus strand). Cytogenetic location: 6p21.1.
Variant type: single nucleotide variant.
Coding change: c.1002C>T on transcript NM_000322.5 (MANE Select); coding-DNA position 1002, C replaced by T.
Protein change: p.Ala334=; no amino-acid change (alanine 334 retained).
Molecular consequence: synonymous variant.
Genome position (GRCh38, 1-based): chr6:42,698,334, G>A on the plus strand (C>T on the coding strand, the complement: PRPH2 is on the minus strand). VCF-style: chr6-42698334-G-A. GRCh37 (hg19) VCF-style: chr6-42666072-G-A.
Other names: c.1002C>T (NM_000322.4).
Identifiers: ClinVar variation 1084442 (VCV001084442.11), dbSNP rs142381301, ClinGen allele CA3808465.